The following is an entry in ClinVar:

ClinVar aggregate classification (germline): Pathogenic (1 of 4 stars; one submission).

Submission:

GeneDx
Classification: Pathogenic. Last evaluated: 2026-01-29. Review status: criteria provided, single submitter. Criteria: GeneDx Variant Classification Process June 2021. Collection method: clinical testing. Allele origin: germline.
Comment: Reported in individuals with autism or developmental disorders from large cohort studies, but detailed clinical information is not provided (PMID: 33004838, 28191890); Frameshift variant predicted to result in protein truncation or nonsense mediated decay in a gene for which loss of function is a known mechanism of disease; Not observed at significant frequency in large population cohorts (gnomAD); This variant is associated with the following publications: (PMID: 28191890, 33004838, 34312540)

NM_015001.3(SPEN):c.4441_4444del (p.Glu1481fs)

Gene: SPEN (spen family transcriptional repressor; plus strand). Cytogenetic location: 1p36.13.
Variant type: Deletion.
Coding change: c.4441_4444del on transcript NM_015001.3 (MANE Select); coding-DNA positions 4441 to 4444, 4 bases deleted (GAAA; older notation c.4441_4444delGAAA).
Protein change: p.Glu1481fs; shifts the reading frame from glutamic acid 1481.
Molecular consequence: frameshift variant.
Genome position (GRCh38, 1-based): chr1:15,930,681-15,930,684, GAAA deleted; deleting any 4 consecutive bases within chr1:15,930,678-15,930,684 gives the same sequence; the c. name uses the placement nearest the transcript's 3' end. VCF-style (leftmost placement, unchanged base first): chr1-15930677-TAAAG-T. GRCh37 (hg19) VCF-style: chr1-16257172-TAAAG-T.
Other names: short protein forms E1481fs.
Identifiers: ClinVar variation 4056835 (VCV004056835.2).